The following is an entry in ClinVar:

NM_001164508.2(NEB):c.13477-2A>T

Gene: NEB (nebulin; minus strand). Cytogenetic location: 2q23.3.
Variant type: single nucleotide variant.
Coding change: c.13477-2A>T on transcript NM_001164508.2 (MANE Select); the canonical splice acceptor site of the intron before coding-DNA position 13477, A replaced by T.
Molecular consequence: splice acceptor variant. On other transcripts: intron variant (1).
Genome position (GRCh38, 1-based): chr2:151,600,755, T>A on the plus strand (A>T on the coding strand, the complement: NEB is on the minus strand). VCF-style: chr2-151600755-T-A. GRCh37 (hg19) VCF-style: chr2-152457269-T-A.
Other names: c.11601+9054A>T (NM_004543.5); c.13477-2A>T (NM_001164507.2, NM_001271208.2).
Identifiers: ClinVar variation 3018189 (VCV003018189.3), dbSNP rs2153903681, ClinGen allele CA348769253.

ClinVar aggregate classification (germline): Likely pathogenic (1 of 4 stars; one submission).

Conditions:
Nemaline myopathy 2 (NEM2). Also called: Nemaline myopathy 2, autosomal recessive. Identifiers: MedGen C1850569, MONDO:0009725, OMIM 256030.

Submission:

Labcorp Genetics (formerly Invitae), Labcorp
Classification: Likely pathogenic for Nemaline myopathy 2. Last evaluated: 2023-11-14. Review status: criteria provided, single submitter. Criteria: Invitae Variant Classification Sherloc (09022015). Collection method: clinical testing. Allele origin: germline.
Comment: This variant occurs in a region of NEB (Exons 82-105) consisting of three highly homologous 8-exon repeat units (exons 82-89, exons 90-97, exons 98-105). Sequence variants in this region can be detected, but this assay cannot determine which of the three repeat units is affected, and zygosity is often ambiguous. All variants in this region are reported relative to the exon 82-89 repeat. This sequence change affects an acceptor splice site in intron 88 of the NEB gene. It is expected to disrupt RNA splicing. Variants that disrupt the donor or acceptor splice site typically lead to a loss of protein function (PMID: 16199547), and loss-of-function variants in NEB are known to be pathogenic (PMID: 25205138). The frequency data for this variant in the population databases (gnomAD) is considered unreliable due to the presence of homologous sequence, such as pseudogenes or paralogs, in the genome. This variant has not been reported in the literature in individuals affected with NEB-related conditions. Experimental studies and prediction algorithms are not available or were not evaluated, and the effect of this variant on mRNA splicing is currently unknown. In summary, the currently available evidence indicates that the variant is pathogenic, but additional data are needed to prove that conclusively. Therefore, this variant has been classified as Likely Pathogenic.

Literature cited by the submitters: PubMed 16199547; PubMed 25205138.